The following is an entry in ClinVar:

ClinVar aggregate classification (germline): Likely pathogenic (1 of 4 stars; one submission).

Submission:

GeneDx
Classification: Likely pathogenic. Last evaluated: 2016-05-27. Review status: criteria provided, single submitter. Criteria: GeneDx Variant Classification (06012015). Collection method: clinical testing. Allele origin: germline. Affected: yes.
Comment: The L259I variant has not been published as a pathogenic variant, nor has it been reported as a benign variant to our knowledge. It was not observed in approximately 6,500 individuals of European and African American ancestry in the NHLBI Exome Sequencing Project, indicating it is not a common benign variant in these populations. The L259I variant is a conservative amino acid substitution, which is not likely to impact secondary protein structure as these residues share similar properties. However, this substitution alters a conserved position predicted to be within the transmembrane segment S5 of the first homologous domain, and in silico analysis predicts this variant is probably damaging to the protein structure/function. Additionally, missense variants in nearby residues (V261M, A263V, A263T) have been reported in the Human Gene Mutation Database in association with SCN2A-related disorders (Stenson et al., 2014), supporting the functional importance of this region of the protein. Therefore, this variant is likely pathogenic; however, the possibility that it is benign cannot be excluded.

NM_001040142.2(SCN2A):c.775C>A (p.Leu259Ile)

Gene: SCN2A (sodium voltage-gated channel alpha subunit 2; plus strand). Cytogenetic location: 2q24.3.
Variant type: single nucleotide variant.
Coding change: c.775C>A on transcript NM_001040142.2 (MANE Select); coding-DNA position 775, C replaced by A.
Protein change: p.Leu259Ile; replaces leucine 259 with isoleucine.
Molecular consequence: missense variant.
Genome position (GRCh38, 1-based): chr2:165,310,400, C>A. VCF-style: chr2-165310400-C-A. GRCh37 (hg19) VCF-style: chr2-166166910-C-A.
Other names: c.775C>A, p.Leu259Ile (NM_001040143.2, NM_001371246.1, NM_001371247.1 and 1 more transcripts); short protein forms L259I.
Identifiers: ClinVar variation 421263 (VCV000421263.2), dbSNP rs1064795018, ClinGen allele CA16617262.